The following is an entry in ClinVar:

NM_012418.4(FSCN2):c.97G>A (p.Val33Ile)

Gene: FSCN2 (fascin actin-bundling protein 2, retinal; plus strand). Cytogenetic location: 17q25.3.
Variant type: single nucleotide variant.
Coding change: c.97G>A on transcript NM_012418.4 (MANE Select); coding-DNA position 97, G replaced by A.
Protein change: p.Val33Ile; replaces valine 33 with isoleucine.
Molecular consequence: missense variant.
Genome position (GRCh38, 1-based): chr17:81,528,628, G>A. VCF-style: chr17-81528628-G-A. GRCh37 (hg19) VCF-style: chr17-79495654-G-A.
Other names: c.97G>A, p.Val33Ile (NM_001077182.3); short protein forms V33I.
Identifiers: ClinVar variation 971440 (VCV000971440.8), dbSNP rs1295094267, ClinGen allele CA401469677.

ClinVar aggregate classification (germline): Uncertain significance (1 of 4 stars; one submission).

Allele frequency attached by ClinVar (database versions not stated): gnomAD exomes below 0.00001; gnomAD 0.00001; TOPMed 0.00001.

Submission:

Labcorp Genetics (formerly Invitae), Labcorp
Classification: Uncertain significance. Last evaluated: 2022-07-18. Review status: criteria provided, single submitter. Criteria: Invitae Variant Classification Sherloc (09022015). Collection method: clinical testing. Allele origin: germline.
Comment: In summary, the available evidence is currently insufficient to determine the role of this variant in disease. Therefore, it has been classified as a Variant of Uncertain Significance. Algorithms developed to predict the effect of missense changes on protein structure and function are either unavailable or do not agree on the potential impact of this missense change (SIFT: "Tolerated"; PolyPhen-2: "Possibly Damaging"; Align-GVGD: "Class C0"). ClinVar contains an entry for this variant (Variation ID: 971440). This variant has not been reported in the literature in individuals affected with FSCN2-related conditions. This variant is present in population databases (no rsID available, gnomAD 0.0009%). This sequence change replaces valine, which is neutral and non-polar, with isoleucine, which is neutral and non-polar, at codon 33 of the FSCN2 protein (p.Val33Ile).